The following is an entry in ClinVar:

ClinVar aggregate classification (germline): Uncertain significance. Review status: criteria provided, multiple submitters, no conflicts (2 of 4 stars). 2 submissions from 2 submitters: Uncertain significance (2). Last evaluated 2026-05-24.

Conditions:
BBS5-related disorder. Also called: BBS5-related condition.

Allele frequency attached by ClinVar (database versions not stated): TOPMed below 0.00001; gnomAD 0.00001.

Submissions (2):

GeneDx
Classification: Uncertain significance. Last evaluated: 2026-05-24. Review status: criteria provided, single submitter. Criteria: GeneDx Variant Classification Process June 2021. Collection method: clinical testing. Allele origin: germline.
Comment: Not observed at significant frequency in large population cohorts (gnomAD); In silico analysis supports that this missense variant has a deleterious effect on protein structure/function; Has not been previously published as pathogenic or benign to our knowledge

PreventionGenetics, part of Exact Sciences
Classification: Uncertain significance for BBS5-related condition. Last evaluated: 2026-05-08. Review status: criteria provided, single submitter. Criteria: ACMG Guidelines, 2015. Collection method: clinical testing. Allele origin: germline.
Comment: The BBS5 c.377C>T variant is predicted to result in the amino acid substitution p.Ala126Val. To our knowledge, this variant has not been reported in the literature or in a large population database (gnomAD), indicating this variant is rare. At this time, the clinical significance of this variant is uncertain due to the absence of conclusive functional and genetic evidence.

NM_152384.3(BBS5):c.377C>T (p.Ala126Val)

Gene: BBS5 (Bardet-Biedl syndrome 5; plus strand). Cytogenetic location: 2q31.1.
Variant type: single nucleotide variant.
Coding change: c.377C>T on transcript NM_152384.3 (MANE Select); coding-DNA position 377, C replaced by T.
Protein change: p.Ala126Val; replaces alanine 126 with valine.
Molecular consequence: missense variant.
Genome position (GRCh38, 1-based): chr2:169,488,105, C>T. VCF-style: chr2-169488105-C-T. GRCh37 (hg19) VCF-style: chr2-170344615-C-T.
Other names: short protein forms A126V.
Identifiers: ClinVar variation 1810459 (VCV001810459.3), dbSNP rs1300254713, ClinGen allele CA349163259.